The following is an entry in ClinVar:

NM_001099274.3(TINF2):c.751G>C (p.Glu251Gln)

Gene: TINF2 (TERF1 interacting nuclear factor 2; minus strand). Cytogenetic location: 14q12.
Variant type: single nucleotide variant.
Coding change: c.751G>C on transcript NM_001099274.3 (MANE Select); coding-DNA position 751, G replaced by C.
Protein change: p.Glu251Gln; replaces glutamic acid 251 with glutamine.
Molecular consequence: missense variant.
Genome position (GRCh38, 1-based): chr14:24,240,729, C>G on the plus strand (G>C on the coding strand, the complement: TINF2 is on the minus strand). VCF-style: chr14-24240729-C-G. GRCh37 (hg19) VCF-style: chr14-24709935-C-G.
Other names: c.646G>C, p.Glu216Gln (NM_001363668.2); c.751G>C, p.Glu251Gln (NM_012461.3); short protein forms E216Q, E251Q.
Identifiers: ClinVar variation 1720294 (VCV001720294.5), dbSNP rs2502456823, ClinGen allele CA389226692.

ClinVar aggregate classification (germline): Uncertain significance (1 of 4 stars; one submission).

Conditions:
Dyskeratosis congenita. Identifiers: Orphanet 1775, MedGen C0265965, MONDO:0015780.

Submission:

Labcorp Genetics (formerly Invitae), Labcorp
Classification: Uncertain significance for Dyskeratosis congenita. Last evaluated: 2026-01-12. Review status: criteria provided, single submitter. Criteria: Invitae Variant Classification Sherloc (09022015). Collection method: clinical testing. Allele origin: germline.
Comment: This sequence change replaces glutamic acid, which is acidic and polar, with glutamine, which is neutral and polar, at codon 251 of the TINF2 protein (p.Glu251Gln). This variant is not present in population databases (gnomAD no frequency). This variant has not been reported in the literature in individuals affected with TINF2-related conditions. ClinVar contains an entry for this variant (Variation ID: 1720294). An algorithm developed to predict the effect of missense changes on protein structure and function (PolyPhen-2) suggests that this variant is likely to be tolerated. In summary, the available evidence is currently insufficient to determine the role of this variant in disease. Therefore, it has been classified as a Variant of Uncertain Significance.